The following is an entry in ClinVar:

ClinVar aggregate classification (germline): Uncertain significance (1 of 4 stars; one submission).

Submission:

CeGaT Center for Human Genetics Tuebingen
Classification: Uncertain significance. Last evaluated: 2022-09-01. Review status: criteria provided, single submitter. Criteria: CeGaT Center For Human Genetics Tuebingen Variant Classification Criteria Version 2. Collection method: clinical testing. Allele origin: germline. Affected: yes. Observed: 1 variant allele.
Comment: BSCL2: PM2, BP4

NM_001122955.4(BSCL2):c.103G>T (p.Ala35Ser)

Genes: BSCL2 (BSCL2 lipid droplet biogenesis associated, seipin; minus strand), HNRNPUL2-BSCL2 (HNRNPUL2-BSCL2 readthrough (NMD candidate); minus strand). Cytogenetic location: 11q12.3.
Variant type: single nucleotide variant.
Coding change: c.103G>T on transcript NM_001122955.4 (MANE Select); coding-DNA position 103, G replaced by T.
Protein change: p.Ala35Ser; replaces alanine 35 with serine.
Molecular consequence: missense variant. On other transcripts: non-coding transcript variant (1), 5 prime UTR variant (2).
Genome position (GRCh38, 1-based): chr11:62,705,602, C>A on the plus strand (G>T on the coding strand, the complement: BSCL2 is on the minus strand). VCF-style: chr11-62705602-C-A. GRCh37 (hg19) VCF-style: chr11-62473074-C-A.
Other names: c.-90G>T (NM_001130702.2, NM_032667.6); c.103G>T, p.Ala35Ser (NM_001386027.1, NM_001386028.1); short protein forms A35S.
Identifiers: ClinVar variation 2641895 (VCV002641895.24), dbSNP rs2539182731, ClinGen allele CA380971110.